The following is an entry in ClinVar:

NM_017662.5(TRPM6):c.4968A>C (p.Gln1656His)

Gene: TRPM6 (transient receptor potential cation channel subfamily M member 6; minus strand). Cytogenetic location: 9q21.13.
Variant type: single nucleotide variant.
Coding change: c.4968A>C on transcript NM_017662.5 (MANE Select); coding-DNA position 4968, A replaced by C.
Protein change: p.Gln1656His; replaces glutamine 1656 with histidine.
Molecular consequence: missense variant.
Genome position (GRCh38, 1-based): chr9:74,752,307, T>G on the plus strand (A>C on the coding strand, the complement: TRPM6 is on the minus strand). VCF-style: chr9-74752307-T-G. GRCh37 (hg19) VCF-style: chr9-77367223-T-G.
Other names: c.4953A>C, p.Gln1651His (NM_001177310.2, NM_001177311.2); short protein forms Q1656H, Q1651H.
Identifiers: ClinVar variation 1998803 (VCV001998803.4), dbSNP rs2489853473, ClinGen allele CA373680793.

ClinVar aggregate classification (germline): Uncertain significance (1 of 4 stars; one submission).

Submission:

Labcorp Genetics (formerly Invitae), Labcorp
Classification: Uncertain significance. Last evaluated: 2024-02-17. Review status: criteria provided, single submitter. Criteria: Invitae Variant Classification Sherloc (09022015). Collection method: clinical testing. Allele origin: germline.
Comment: This sequence change replaces glutamine, which is neutral and polar, with histidine, which is basic and polar, at codon 1656 of the TRPM6 protein (p.Gln1656His). This variant is not present in population databases (gnomAD no frequency). This variant has not been reported in the literature in individuals affected with TRPM6-related conditions. ClinVar contains an entry for this variant (Variation ID: 1998803). Algorithms developed to predict the effect of missense changes on protein structure and function output the following: SIFT: "Not Available"; PolyPhen-2: "Benign"; Align-GVGD: "Not Available". The histidine amino acid residue is found in multiple mammalian species, which suggests that this missense change does not adversely affect protein function. In summary, the available evidence is currently insufficient to determine the role of this variant in disease. Therefore, it has been classified as a Variant of Uncertain Significance.